The following is an entry in ClinVar:

NM_000701.8(ATP1A1):c.12+727T>A

Gene: ATP1A1 (ATPase Na+/K+ transporting subunit alpha 1; plus strand). Cytogenetic location: 1p13.1.
Variant type: single nucleotide variant.
Coding change: c.12+727T>A on transcript NM_000701.8 (MANE Select); 727 bases into the intron after coding-DNA position 12, T replaced by A.
Molecular consequence: intron variant.
Genome position (GRCh38, 1-based): chr1:116,374,250, T>A. VCF-style: chr1-116374250-T-A. GRCh37 (hg19) VCF-style: chr1-116916872-T-A.
Other names: c.12+9T>A (NM_001160233.2).
Identifiers: ClinVar variation 931678 (VCV000931678.3), dbSNP rs1199382060, ClinGen allele CA1139656283.

ClinVar aggregate classification (germline): Uncertain significance (1 of 4 stars; one submission).

Conditions:
Hypomagnesemia, seizures, and impaired intellectual development 2. Also called: Hypomagnesemia, seizures, and intellectual disability 2. Identifiers: MedGen C5193023, MONDO:0020788, OMIM 618314.

Submission:

Centre for Mendelian Genomics, University Medical Centre Ljubljana
Classification: Uncertain significance for Hypomagnesemia, seizures, and impaired intellectual development 2. Last evaluated: 2019-10-01. Review status: criteria provided, single submitter. Criteria: ACMG Guidelines, 2015. Collection method: clinical testing. Allele origin: unknown. Affected: yes.
Comment: This variant was classified as: Uncertain significance. The available evidence on this variant's pathogenicity is insufficient or conflicting. The following ACMG criteria were applied in classifying this variant: PM2,BP4.